The following is an entry in ClinVar:

NM_003227.4(TFR2):c.407A>C (p.Tyr136Ser)

Gene: TFR2 (transferrin receptor 2; minus strand). Cytogenetic location: 7q22.1.
Variant type: single nucleotide variant.
Coding change: c.407A>C on transcript NM_003227.4 (MANE Select); coding-DNA position 407, A replaced by C.
Protein change: p.Tyr136Ser; replaces tyrosine 136 with serine.
Molecular consequence: missense variant.
Genome position (GRCh38, 1-based): chr7:100,640,752, T>G on the plus strand (A>C on the coding strand, the complement: TFR2 is on the minus strand). VCF-style: chr7-100640752-T-G. GRCh37 (hg19) VCF-style: chr7-100238375-T-G.
Other names: short protein forms Y136S.
Identifiers: ClinVar variation 1936282 (VCV001936282.4), dbSNP rs1391879497, ClinGen allele CA368537655.

ClinVar aggregate classification (germline): Uncertain significance (1 of 4 stars; one submission).

Conditions:
Hereditary hemochromatosis (HFE). Identifiers: MedGen C0392514, MONDO:0006507. Disease mechanism: loss of function.

Allele frequency attached by ClinVar (database versions not stated): TOPMed below 0.00001.
gnomAD v4.1: 1 of 1,614,000 alleles (0.000062%); no homozygotes.

Submission:

Labcorp Genetics (formerly Invitae), Labcorp
Classification: Uncertain significance for Hereditary hemochromatosis. Last evaluated: 2022-02-20. Review status: criteria provided, single submitter. Criteria: Invitae Variant Classification Sherloc (09022015). Collection method: clinical testing. Allele origin: germline.
Comment: This sequence change replaces tyrosine, which is neutral and polar, with serine, which is neutral and polar, at codon 136 of the TFR2 protein (p.Tyr136Ser). This variant is not present in population databases (gnomAD no frequency). This variant has not been reported in the literature in individuals affected with TFR2-related conditions. Algorithms developed to predict the effect of missense changes on protein structure and function (SIFT, PolyPhen-2, Align-GVGD) all suggest that this variant is likely to be disruptive. In summary, the available evidence is currently insufficient to determine the role of this variant in disease. Therefore, it has been classified as a Variant of Uncertain Significance.